The following is an entry in ClinVar:

NM_001330260.2(SCN8A):c.1759G>T (p.Glu587Ter)

Gene: SCN8A (sodium voltage-gated channel alpha subunit 8; plus strand). Cytogenetic location: 12q13.13.
Variant type: single nucleotide variant.
Coding change: c.1759G>T on transcript NM_001330260.2 (MANE Select); coding-DNA position 1759, G replaced by T.
Protein change: p.Glu587Ter; replaces glutamic acid 587 with a stop codon.
Molecular consequence: nonsense.
Genome position (GRCh38, 1-based): chr12:51,721,669, G>T. VCF-style: chr12-51721669-G-T. GRCh37 (hg19) VCF-style: chr12-52115453-G-T.
Other names: c.1759G>T, p.Glu587Ter (NM_001177984.3, NM_001369788.1, NM_014191.4); short protein forms E587*.
Identifiers: ClinVar variation 429337 (VCV000429337.2), dbSNP rs1131691327, ClinGen allele CA385229527.

ClinVar aggregate classification (germline): Likely pathogenic (1 of 4 stars; one submission).

Submission:

GeneDx
Classification: Likely pathogenic. Last evaluated: 2017-05-08. Review status: criteria provided, single submitter. Criteria: GeneDx Variant Classification (06012015). Collection method: clinical testing. Allele origin: germline. Affected: yes.
Comment: A variant that is likely pathogenic has been identified in the SCN8A gene. The E587X variant has not been published as a pathogenic variant, nor has it been reported as a benign variant to our knowledge. It was not observed in approximately 6,200 individuals of European and African American ancestry in the NHLBI Exome Sequencing Project, indicating it is not a common benign variant in these populations. The E587X nonsense variant is predicted to cause loss of normal protein function either through protein truncation or nonsense-mediated mRNA decay. Therefore, this variant is likely pathogenic; however, the possibility that it is benign cannot be excluded.